The following is an entry in ClinVar:

ClinVar aggregate classification (germline): Uncertain significance. Review status: criteria provided, multiple submitters, no conflicts (2 of 4 stars). 2 submissions from 2 submitters: Uncertain significance (2). Last evaluated 2024-04-11.

Conditions:
Cardiovascular phenotype. Identifiers: MedGen CN230736.

Allele frequency attached by ClinVar (database versions not stated): TOPMed below 0.00001; gnomAD 0.00001; gnomAD exomes 0.00001.
gnomAD v4.1: 5 of 1,613,998 alleles (0.00031%); highest among the groups gnomAD compares: Non-Finnish European, 0.00042%; no homozygotes.

Submissions (2):

GeneDx
Classification: Uncertain significance. Last evaluated: 2024-04-11. Review status: criteria provided, single submitter. Criteria: GeneDx Variant Classification Process June 2021. Collection method: clinical testing. Allele origin: germline. Affected: yes.
Comment: Has not been previously published as pathogenic or benign to our knowledge; Not observed at significant frequency in large population cohorts (gnomAD); In silico analysis indicates that this missense variant does not alter protein structure/function

Ambry Genetics
Classification: Uncertain significance for Cardiovascular phenotype. Last evaluated: 2023-11-02. Review status: criteria provided, single submitter. Criteria: Ambry Variant Classification Scheme 2023. Collection method: clinical testing. Allele origin: germline.
Comment: The p.A1636S variant (also known as c.4906G>T), located in coding exon 27 of the SCN10A gene, results from a G to T substitution at nucleotide position 4906. The alanine at codon 1636 is replaced by serine, an amino acid with similar properties. This amino acid position is conserved. In addition, the in silico prediction for this alteration is inconclusive. Since supporting evidence is limited at this time, the clinical significance of this alteration remains unclear.

NM_006514.4(SCN10A):c.4906G>T (p.Ala1636Ser)

Gene: SCN10A (sodium voltage-gated channel alpha subunit 10; minus strand). Cytogenetic location: 3p22.2.
Variant type: single nucleotide variant.
Coding change: c.4906G>T on transcript NM_006514.4 (MANE Select); coding-DNA position 4906, G replaced by T.
Protein change: p.Ala1636Ser; replaces alanine 1636 with serine.
Molecular consequence: missense variant.
Genome position (GRCh38, 1-based): chr3:38,698,314, C>A on the plus strand (G>T on the coding strand, the complement: SCN10A is on the minus strand). VCF-style: chr3-38698314-C-A. GRCh37 (hg19) VCF-style: chr3-38739805-C-A.
Other names: c.4903G>T, p.Ala1635Ser (NM_001293306.2); c.4612G>T, p.Ala1538Ser (NM_001293307.2); short protein forms A1538S, A1635S, A1636S.
Identifiers: ClinVar variation 3225672 (VCV003225672.2), dbSNP rs1206808062, ClinGen allele CA352155175.